The following is an entry in ClinVar:

NM_000719.7(CACNA1C):c.6117+3A>G

Genes: CACNA1C (calcium voltage-gated channel subunit alpha1 C; plus strand), CACNA1C-AS1 (CACNA1C antisense RNA 1; minus strand). Cytogenetic location: 12p13.33.
Variant type: single nucleotide variant.
Coding change: c.6117+3A>G on transcript NM_000719.7 (MANE Select); 3 bases into the intron after coding-DNA position 6117, A replaced by G.
Molecular consequence: intron variant.
Genome position (GRCh38, 1-based): chr12:2,688,782, A>G. VCF-style: chr12-2688782-A-G. GRCh37 (hg19) VCF-style: chr12-2797948-A-G.
Other names: c.6222+3A>G (NM_001167624.3, NM_001129830.3); c.6117+3A>G (NM_001167623.2, NM_001129840.2, NM_001129842.2 and 2 more transcripts); c.6297+3A>G (NM_001167625.2); c.6366+3A>G (NM_199460.4); c.6261+3A>G (NM_001129827.2); c.6177+3A>G (NM_001129832.2); c.6201+3A>G (NM_001129831.2); c.6174+3A>G (NM_001129833.2, NM_001129834.2, NM_001129835.2); and 6 more.
Identifiers: ClinVar variation 2452670 (VCV002452670.5), dbSNP rs2534888660, ClinGen allele CA2580085142.

ClinVar aggregate classification (germline): Uncertain significance. Review status: criteria provided, multiple submitters, no conflicts (2 of 4 stars). 2 submissions from 2 submitters: Uncertain significance (2). Last evaluated 2023-02-21.

Conditions:
Cardiovascular phenotype. Identifiers: MedGen CN230736.
Long QT syndrome (LQTS). Identifiers: MedGen C0023976, MeSH D008133, MONDO:0002442. Disease mechanism: loss of function. Inheritance: Various modes of inheritance.

Allele frequency attached by ClinVar (database versions not stated): gnomAD exomes below 0.00001.
gnomAD v4.1: 1 of 1,514,140 alleles (0.000066%); highest among the groups gnomAD compares: Non-Finnish European, 0.000088%; no homozygotes.

Submissions (2):

Ambry Genetics
Classification: Uncertain significance for Cardiovascular phenotype. Last evaluated: 2023-02-21. Review status: criteria provided, single submitter. Criteria: Ambry Variant Classification Scheme 2023. Collection method: clinical testing. Allele origin: germline.
Comment: The c.6117+3A>G intronic variant results from an A to G substitution 3 nucleotides after coding exon 46 in the CACNA1C gene. This nucleotide position is not well conserved in available vertebrate species. In silico splice site analysis for this alteration is inconclusive. Since supporting evidence is limited at this time, the clinical significance of this alteration remains unclear.

Labcorp Genetics (formerly Invitae), Labcorp
Classification: Uncertain significance for Long QT syndrome. Last evaluated: 2022-12-23. Review status: criteria provided, single submitter. Criteria: Invitae Variant Classification Sherloc (09022015). Collection method: clinical testing. Allele origin: germline.
Comment: This sequence change falls in intron 46 of the CACNA1C gene. It does not directly change the encoded amino acid sequence of the CACNA1C protein. It affects a nucleotide within the consensus splice site. This variant is not present in population databases (gnomAD no frequency). This variant has not been reported in the literature in individuals affected with CACNA1C-related conditions. Variants that disrupt the consensus splice site are a relatively common cause of aberrant splicing (PMID: 17576681, 9536098). Algorithms developed to predict the effect of sequence changes on RNA splicing suggest that this variant may disrupt the consensus splice site. In summary, the available evidence is currently insufficient to determine the role of this variant in disease. Therefore, it has been classified as a Variant of Uncertain Significance.

Literature cited by the submitters: PubMed 17576681 (cited by Labcorp Genetics (formerly Invitae), Labcorp); PubMed 9536098 (cited by Labcorp Genetics (formerly Invitae), Labcorp).